The following is an entry in ClinVar:

ClinVar aggregate classification (germline): Uncertain significance. Review status: criteria provided, multiple submitters, no conflicts (2 of 4 stars). 2 submissions from 2 submitters: Uncertain significance (2). Last evaluated 2026-03-14.

Conditions:
Hereditary cancer-predisposing syndrome. Also called: Tumor predisposition; Hereditary neoplastic syndrome; Hereditary Cancer Syndrome; Neoplastic Syndromes, Hereditary. Identifiers: Orphanet 140162, MedGen C0027672, MeSH D009386, MONDO:0015356.

Submissions (2):

Ambry Genetics
Classification: Uncertain significance for Hereditary cancer-predisposing syndrome. Last evaluated: 2026-03-14. Review status: criteria provided, single submitter. Criteria: Ambry Variant Classification Scheme 2023. Collection method: clinical testing. Allele origin: germline.
Comment: The p.I966M variant (also known as c.2898A>G), located in coding exon 9 of the PALB2 gene, results from an A to G substitution at nucleotide position 2898. The isoleucine at codon 966 is replaced by methionine, an amino acid with highly similar properties. This amino acid position is conserved. In addition, this alteration is predicted to be tolerated by in silico analysis. Based on the available evidence, the clinical significance of this variant remains unclear.

Color Diagnostics, LLC DBA Color Health
Classification: Uncertain significance for Hereditary cancer-predisposing syndrome. Last evaluated: 2024-03-06. Review status: criteria provided, single submitter. Criteria: ACMG Guidelines, 2015. Collection method: clinical testing. Allele origin: germline.
Comment: This missense variant replaces isoleucine with methionine at codon 966 of the PALB2 protein. Computational prediction tool suggests that this variant may not impact protein structure and function (internally defined REVEL score threshold <=0.5, PMID: 27666373). Splice site prediction tools suggest that this variant may not impact RNA splicing. To our knowledge, functional studies have not been performed for this variant. This variant has not been reported in individuals affected with hereditary cancer in the literature. This variant has not been identified in the general population by the Genome Aggregation Database (gnomAD). The available evidence is insufficient to determine the role of this variant in disease conclusively. Therefore, this variant is classified as a Variant of Uncertain Significance.

NM_024675.4(PALB2):c.2898A>G (p.Ile966Met)

Gene: PALB2 (partner and localizer of BRCA2; minus strand). Cytogenetic location: 16p12.2.
Variant type: single nucleotide variant.
Coding change: c.2898A>G on transcript NM_024675.4 (MANE Select); coding-DNA position 2898, A replaced by G.
Protein change: p.Ile966Met; replaces isoleucine 966 with methionine.
Molecular consequence: missense variant.
Genome position (GRCh38, 1-based): chr16:23,623,067, T>C on the plus strand (A>G on the coding strand, the complement: PALB2 is on the minus strand). VCF-style: chr16-23623067-T-C. GRCh37 (hg19) VCF-style: chr16-23634388-T-C.
Other names: short protein forms I966M.
Identifiers: ClinVar variation 920166 (VCV000920166.5), dbSNP rs1555459563, ClinGen allele CA395144277.